The following is an entry in ClinVar:

ClinVar aggregate classification (germline): Uncertain significance. Review status: criteria provided, multiple submitters, no conflicts (2 of 4 stars). 2 submissions from 2 submitters: Uncertain significance (2). Last evaluated 2025-07-08.

Conditions:
Intellectual developmental disorder, X-linked 1. Also called: Atkin Flaitz Patil Smith syndrome; Intellectual disability, X-linked 1; MENTAL RETARDATION, X-LINKED 18; MENTAL RETARDATION, X-LINKED 78. Identifiers: Orphanet 777, MedGen C2931498, MONDO:0010656, OMIM 309530.

Allele frequency attached by ClinVar (database versions not stated): gnomAD 0.00001; TOPMed below 0.00001.
gnomAD v4.1: 1 of 1,207,603 alleles (0.000083%); highest among the groups gnomAD compares: Non-Finnish European, 0.00011%; no homozygotes.

Submissions (2):

Labcorp Genetics (formerly Invitae), Labcorp
Classification: Uncertain significance for Intellectual developmental disorder, X-linked 1. Last evaluated: 2025-07-08. Review status: criteria provided, single submitter. Criteria: Invitae Variant Classification Sherloc (09022015). Collection method: clinical testing. Allele origin: germline.
Comment: This sequence change replaces leucine, which is neutral and non-polar, with isoleucine, which is neutral and non-polar, at codon 1147 of the IQSEC2 protein (p.Leu1147Ile). This variant is not present in population databases (gnomAD no frequency). This variant has not been reported in the literature in individuals affected with IQSEC2-related conditions. ClinVar contains an entry for this variant (Variation ID: 1341609). Invitae Evidence Modeling of protein sequence and biophysical properties (such as structural, functional, and spatial information, amino acid conservation, physicochemical variation, residue mobility, and thermodynamic stability) indicates that this missense variant is not expected to disrupt IQSEC2 protein function with a negative predictive value of 95%. In summary, the available evidence is currently insufficient to determine the role of this variant in disease. Therefore, it has been classified as a Variant of Uncertain Significance.

GeneDx
Classification: Uncertain significance. Last evaluated: 2022-02-08. Review status: criteria provided, single submitter. Criteria: GeneDx Variant Classification Process June 2021. Collection method: clinical testing. Allele origin: germline. Affected: yes.
Comment: Not observed in large population cohorts (gnomAD); In silico analysis supports that this missense variant does not alter protein structure/function; Has not been previously published as pathogenic or benign to our knowledge

NM_001111125.3(IQSEC2):c.3439C>A (p.Leu1147Ile)

Gene: IQSEC2 (IQ motif and Sec7 domain ArfGEF 2; minus strand). Cytogenetic location: Xp11.22.
Variant type: single nucleotide variant.
Coding change: c.3439C>A on transcript NM_001111125.3 (MANE Select); coding-DNA position 3439, C replaced by A.
Protein change: p.Leu1147Ile; replaces leucine 1147 with isoleucine.
Molecular consequence: missense variant.
Genome position (GRCh38, 1-based): chrX:53,236,334, G>T on the plus strand (C>A on the coding strand, the complement: IQSEC2 is on the minus strand). VCF-style: chrX-53236334-G-T. GRCh37 (hg19) VCF-style: chrX-53265516-G-T.
Other names: c.2824C>A, p.Leu942Ile (NM_015075.2); short protein forms L1147I, L942I.
Identifiers: ClinVar variation 1341609 (VCV001341609.5), dbSNP rs2074129057, ClinGen allele CA413143887.